The following is an entry in ClinVar:

NM_005476.7(GNE):c.1539G>A (p.Trp513Ter)

Gene: GNE (glucosamine (UDP-N-acetyl)-2-epimerase/N-acetylmannosamine kinase; minus strand). Cytogenetic location: 9p13.3.
Variant type: single nucleotide variant.
Coding change: c.1539G>A on transcript NM_005476.7 (MANE Select); coding-DNA position 1539, G replaced by A.
Protein change: p.Trp513Ter; replaces tryptophan 513 with a stop codon.
Molecular consequence: nonsense. On other transcripts: intron variant (1).
Genome position (GRCh38, 1-based): chr9:36,222,871, C>T on the plus strand (G>A on the coding strand, the complement: GNE is on the minus strand). VCF-style: chr9-36222871-C-T. GRCh37 (hg19) VCF-style: chr9-36222868-C-T.
Other names: c.1632G>A, p.Trp544Ter (NM_001128227.3); c.1209G>A, p.Trp403Ter (NM_001190384.3); c.1362G>A, p.Trp454Ter (NM_001190388.2, NM_001374798.1); c.1386G>A, p.Trp462Ter (NM_001374797.1); c.1411+502G>A (NM_001190383.3); c.1632G>A (NM_001128227.2); short protein forms W403*, W544*, W454*, W462*, W513*.
Identifiers: ClinVar variation 2195084 (VCV002195084.8), dbSNP rs1563930168, ClinGen allele CA373426403.

ClinVar aggregate classification (germline): Pathogenic. Review status: criteria provided, multiple submitters, no conflicts (2 of 4 stars). 4 submissions from 4 submitters: Pathogenic (4). Last evaluated 2025-12-04.

Conditions:
GNE myopathy (NM). Also called: INCLUSION BODY MYOPATHY 2, AUTOSOMAL RECESSIVE; MYOPATHY, DISTAL, WITH OR WITHOUT RIMMED VACUOLES; IBM 2; Inclusion body myopathy autosomal recessive; Inclusion body myopathy quadriceps sparing; INCLUSION BODY MYOPATHY, HEREDITARY, AUTOSOMAL RECESSIVE. Identifiers: Orphanet 602, MedGen C1853926, MONDO:0011603, OMIM 605820.
Sialuria. Also called: SIALURIA, FRENCH TYPE; Sialic Acid Storage Disease. Identifiers: Orphanet 3166, MedGen C0342853, MONDO:0010028, OMIM 269921.

Allele frequency attached by ClinVar (database versions not stated): gnomAD exomes below 0.00001.
gnomAD v4.1: 2 of 1,614,150 alleles (0.00012%); highest among the groups gnomAD compares: Non-Finnish European, 0.00017%; no homozygotes.

Submissions (4):

Natera, Inc.
Classification: Pathogenic for Nonaka myopathy. Last evaluated: 2025-12-04. Review status: criteria provided, single submitter. Criteria: Natera Variant Classification Schema (03/2026). Collection method: clinical testing. Allele origin: germline.
Comment: The c.1632G>A variant in GNE is a nonsense variant predicted to introduce a stop codon at amino acid 544. This variant is expected to result in nonsense mediated decay, truncation, or a dysfunctional protein product. This variant is rare in the general population with a frequency below the threshold expected for the associated phenotype(s). This variant has been observed in one or more individuals affected with the associated recessive disease, as either homozygous or compound heterozygous with a second variant (PMID: 24005727). Given the available evidence, this variant is classified as Pathogenic.

Labcorp Genetics (formerly Invitae), Labcorp
Classification: Pathogenic for Sialuria; GNE myopathy. Last evaluated: 2023-08-27. Review status: criteria provided, single submitter. Criteria: Invitae Variant Classification Sherloc (09022015). Collection method: clinical testing. Allele origin: germline.
Comment: This variant is not present in population databases (gnomAD no frequency). For these reasons, this variant has been classified as Pathogenic. ClinVar contains an entry for this variant (Variation ID: 2195084). This variant is also known as c.1539G>A (p.Trp513X), Trp513stop. This premature translational stop signal has been observed in individual(s) with autosomal recessive distal myopathy (PMID: 15834044, 24005727). This sequence change creates a premature translational stop signal (p.Trp544*) in the GNE gene. It is expected to result in an absent or disrupted protein product. Loss-of-function variants in GNE are known to be pathogenic (PMID: 24027297).

Baylor Genetics
Classification: Pathogenic for GNE myopathy. Last evaluated: 2023-03-31. Review status: criteria provided, single submitter. Criteria: ACMG Guidelines, 2015. Collection method: clinical testing. Allele origin: unknown.

Revvity Omics, Revvity
Classification: Pathogenic. Last evaluated: 2022-09-23. Review status: criteria provided, single submitter. Criteria: ACMG Guidelines, 2015. Collection method: clinical testing. Allele origin: germline.

Literature cited by the submitters: PubMed 24005727 (cited by Natera, Inc. and Labcorp Genetics (formerly Invitae), Labcorp); PubMed 15834044 (cited by Labcorp Genetics (formerly Invitae), Labcorp); PubMed 24027297 (cited by Labcorp Genetics (formerly Invitae), Labcorp).